The following is an entry in ClinVar:

ClinVar aggregate classification (germline): Benign. Review status: criteria provided, multiple submitters, no conflicts (2 of 4 stars). 6 submissions from 6 submitters: Benign (6). Last evaluated 2026-02-04.

Conditions:
Cardiomyopathy, familial hypertrophic 27. Identifiers: MedGen C4748014, MONDO:0054838, OMIM 618052.
Cardiovascular phenotype. Identifiers: MedGen CN230736.

Allele frequency attached by ClinVar (database versions not stated): gnomAD exomes 0.01394 and 0.01120; 1000 Genomes Project 0.02955; gnomAD 0.03031 and 0.02891; ESP Exome Variant Server 0.03226; ExAC 0.01680; 1000 Genomes Project 30x 0.03139; TOPMed 0.03317.

Submissions (6):

Labcorp Genetics (formerly Invitae), Labcorp
Classification: Benign. Last evaluated: 2026-02-04. Review status: criteria provided, single submitter. Criteria: Invitae Variant Classification Sherloc (09022015). Collection method: clinical testing. Allele origin: germline.

Molecular Diagnostic Laboratory for Inherited Cardiovascular Disease, Montreal Heart Institute
Classification: Benign. Last evaluated: 2025-04-09. Review status: criteria provided, single submitter. Criteria: ACMG Guidelines, 2015. Collection method: clinical testing. Allele origin: germline. Affected: no.

ARUP Laboratories, Molecular Genetics and Genomics, ARUP Laboratories
Classification: Benign for Cardiomyopathy, familial hypertrophic 27. Last evaluated: 2023-11-09. Review status: criteria provided, single submitter. Criteria: ARUP Molecular Germline Variant Investigation Process 2024. Collection method: clinical testing. Allele origin: germline.

Ambry Genetics
Classification: Benign for Cardiovascular phenotype. Last evaluated: 2018-12-24. Review status: criteria provided, single submitter. Criteria: Ambry Variant Classification Scheme 2023. Collection method: clinical testing. Allele origin: germline.

GeneDx
Classification: Benign. Last evaluated: 2016-10-11. Review status: criteria provided, single submitter. Criteria: GeneDx Variant Classification (06012015). Collection method: clinical testing. Allele origin: germline. Affected: yes.
Comment: This variant is considered likely benign or benign based on one or more of the following criteria: it is a conservative change, it occurs at a poorly conserved position in the protein, it is predicted to be benign by multiple in silico algorithms, and/or has population frequency not consistent with disease.

Breakthrough Genomics
Classification: Benign. Review status: criteria provided, single submitter. Criteria: ACMG Guidelines, 2015. Collection method: not provided. Allele origin: germline. Inheritance: Autosomal recessive inheritance. Affected: yes.

NC_000015.10:g.84817040A>G

Gene: ALPK3 (alpha kinase 3; plus strand). Cytogenetic location: 15q25.3.
Variant type: single nucleotide variant.
Genome position: GRCh38 VCF-style: chr15-84817040-A-G. GRCh37 (hg19) VCF-style: chr15-85360271-A-G.
Identifiers: ClinVar variation 384680 (VCV000384680.13), dbSNP rs28431354, ClinGen allele CA7708812.